The following is an entry in ClinVar:

NM_013266.4(CTNNA3):c.1456T>A (p.Trp486Arg)

Gene: CTNNA3 (catenin alpha 3; minus strand). Cytogenetic location: 10q21.3.
Variant type: single nucleotide variant.
Coding change: c.1456T>A on transcript NM_013266.4 (MANE Select); coding-DNA position 1456, T replaced by A.
Protein change: p.Trp486Arg; replaces tryptophan 486 with arginine.
Molecular consequence: missense variant.
Genome position (GRCh38, 1-based): chr10:66,520,692, A>T on the plus strand (T>A on the coding strand, the complement: CTNNA3 is on the minus strand). VCF-style: chr10-66520692-A-T. GRCh37 (hg19) VCF-style: chr10-68280450-A-T.
Other names: c.1456T>A, p.Trp486Arg (NM_001127384.3); short protein forms W486R.
Identifiers: ClinVar variation 3270123 (VCV003270123.1).

ClinVar aggregate classification (germline): Uncertain significance (1 of 4 stars; one submission).

Submission:

Ambry Genetics
Classification: Uncertain significance. Last evaluated: 2024-05-02. Review status: criteria provided, single submitter. Criteria: Ambry Variant Classification Scheme 2023. Collection method: clinical testing. Allele origin: germline.
Comment: The p.W486R variant (also known as c.1456T>A), located in coding exon 10 of the CTNNA3 gene, results from a T to A substitution at nucleotide position 1456. The tryptophan at codon 486 is replaced by arginine, an amino acid with dissimilar properties. This amino acid position is conserved. In addition, this alteration is predicted to be deleterious by in silico analysis. Based on the available evidence, the clinical significance of this variant remains unclear.